The following is an entry in ClinVar:

ClinVar aggregate classification (germline): Conflicting classifications of pathogenicity. Review status: criteria provided, conflicting classifications (1 of 4 stars). 2 submissions from 2 submitters: Likely pathogenic (1); Uncertain significance (1). Last evaluated 2025-06-20.

Conditions:
Biotin-responsive basal ganglia disease (BTBGD). Also called: Thiamine metabolism dysfunction syndrome type 2; Thiamine metabolism dysfunction syndrome 2 (biotin- or thiamine-responsive encephalopathy type 2); thiamine-responsive encephalopathy; Thiamine Transporter-2 Deficiency; THIAMINE METABOLISM DYSFUNCTION SYNDROME 2 (BIOTIN- AND THIAMINE-RESPONSIVE TYPE). Identifiers: Orphanet 199348, Orphanet 65284, MedGen C1843807, MONDO:0011841, OMIM 607483.

Submissions (2):

GeneDx
Classification: Likely pathogenic. Last evaluated: 2025-06-20. Review status: criteria provided, single submitter. Criteria: GeneDx Variant Classification Process June 2021. Collection method: clinical testing. Allele origin: germline.
Comment: Not observed at significant frequency in large population cohorts (gnomAD); In silico analysis supports that this missense variant has a deleterious effect on protein structure/function; Has not been previously published as pathogenic or benign to our knowledge

Labcorp Genetics (formerly Invitae), Labcorp
Classification: Uncertain significance for Biotin-responsive basal ganglia disease. Last evaluated: 2024-12-02. Review status: criteria provided, single submitter. Criteria: Invitae Variant Classification Sherloc (09022015). Collection method: clinical testing. Allele origin: germline.
Comment: This sequence change replaces methionine, which is neutral and non-polar, with arginine, which is basic and polar, at codon 384 of the SLC19A3 protein (p.Met384Arg). This variant is not present in population databases (gnomAD no frequency). This variant has not been reported in the literature in individuals affected with SLC19A3-related conditions. Invitae Evidence Modeling of protein sequence and biophysical properties (such as structural, functional, and spatial information, amino acid conservation, physicochemical variation, residue mobility, and thermodynamic stability) has been performed for this missense variant. However, the output from this modeling did not meet the statistical confidence thresholds required to predict the impact of this variant on SLC19A3 protein function. In summary, the available evidence is currently insufficient to determine the role of this variant in disease. Therefore, it has been classified as a Variant of Uncertain Significance.

NM_025243.4(SLC19A3):c.1151T>G (p.Met384Arg)

Gene: SLC19A3 (solute carrier family 19 member 3; minus strand). Cytogenetic location: 2q36.3.
Variant type: single nucleotide variant.
Coding change: c.1151T>G on transcript NM_025243.4 (MANE Select); coding-DNA position 1151, T replaced by G.
Protein change: p.Met384Arg; replaces methionine 384 with arginine.
Molecular consequence: missense variant.
Genome position (GRCh38, 1-based): chr2:227,695,910, A>C on the plus strand (T>G on the coding strand, the complement: SLC19A3 is on the minus strand). VCF-style: chr2-227695910-A-C. GRCh37 (hg19) VCF-style: chr2-228560626-A-C.
Other names: c.1151T>G (NM_025243.3); c.1151T>G, p.Met384Arg (NM_001371411.1, NM_001371412.1); c.1139T>G, p.Met380Arg (NM_001371413.1, NM_001371414.1); short protein forms M380R, M384R.
Identifiers: ClinVar variation 3675825 (VCV003675825.3).
Genomic context (GRCh38, chr2:227,695,910, plus strand): 5'-GAATACAGTTCAGTTTTAGGAGTGGTTGGTAAAACTTACACTGCTATGGTTATAAGAAGC[A>C]TATAGCTGGACTTGAATATCAAATAGCCAGCATAGCACGCCCAGATATTGGCTGTGTAAT-3'
Protein context (NP_079519.1, residues 374-394): AGYLIFKSSY[Met384Arg]LLITIAVFQI